The following is an entry in ClinVar:

ClinVar aggregate classification (germline): Likely benign (1 of 4 stars; one submission).

Conditions:
Familial cancer of breast. Also called: BREAST CANCER, FAMILIAL; Hereditary breast cancer; hereditary breast carcinoma. Identifiers: Orphanet 227535, MedGen C0346153, MONDO:0016419, OMIM 114480. Disease mechanism: loss of function.

Submission:

Myriad Genetics, Inc.
Classification: Likely benign for Familial cancer of breast. Last evaluated: 2024-04-26. Review status: criteria provided, single submitter. Criteria: Myriad Autosomal Dominant, Autosomal Recessive and X-Linked Classification Criteria (2023). Collection method: clinical testing. Allele origin: unknown.
Comment: This variant is considered likely benign. This variant is intronic and is not expected to impact mRNA splicing.

NM_000051.4(ATM):c.1236-16T>C

Gene: ATM (ATM serine/threonine kinase; plus strand). Cytogenetic location: 11q22.3.
Variant type: single nucleotide variant.
Coding change: c.1236-16T>C on transcript NM_000051.4 (MANE Select); 16 bases into the intron before coding-DNA position 1236, T replaced by C.
Molecular consequence: intron variant.
Genome position (GRCh38, 1-based): chr11:108,250,685, T>C. VCF-style: chr11-108250685-T-C. GRCh37 (hg19) VCF-style: chr11-108121412-T-C.
Other names: c.1236-16T>C (NM_001351834.2).
Identifiers: ClinVar variation 3254498 (VCV003254498.1), dbSNP rs2135314716.